The following is an entry in ClinVar:

ClinVar aggregate classification (germline): Uncertain significance. Review status: criteria provided, multiple submitters, no conflicts (2 of 4 stars). 3 submissions from 3 submitters: Uncertain significance (3). Last evaluated 2025-07-07.

Conditions:
Neurofibromatosis, type 2 (SWNV). Also called: BILATERAL ACOUSTIC NEUROFIBROMATOSIS; SCHWANNOMATOSIS, VESTIBULAR; NF2-Related Schwannomatosis. Identifiers: Orphanet 637, MedGen C0027832, MONDO:0007039, OMIM 101000. Disease mechanism: loss of function.
Hereditary cancer-predisposing syndrome. Also called: Neoplastic Syndromes, Hereditary; Hereditary Cancer Syndrome; Tumor predisposition; Hereditary neoplastic syndrome. Identifiers: Orphanet 140162, MedGen C0027672, MeSH D009386, MONDO:0015356.

Submissions (3):

Labcorp Genetics (formerly Invitae), Labcorp
Classification: Uncertain significance for Neurofibromatosis, type 2. Last evaluated: 2025-07-07. Review status: criteria provided, single submitter. Criteria: Invitae Variant Classification Sherloc (09022015). Collection method: clinical testing. Allele origin: germline.
Comment: This sequence change replaces threonine, which is neutral and polar, with isoleucine, which is neutral and non-polar, at codon 512 of the NF2 protein (p.Thr512Ile). This variant is not present in population databases (gnomAD no frequency). This variant has not been reported in the literature in individuals affected with NF2-related conditions. ClinVar contains an entry for this variant (Variation ID: 2572773). Invitae Evidence Modeling of protein sequence and biophysical properties (such as structural, functional, and spatial information, amino acid conservation, physicochemical variation, residue mobility, and thermodynamic stability) indicates that this missense variant is not expected to disrupt NF2 protein function with a negative predictive value of 80%. In summary, the available evidence is currently insufficient to determine the role of this variant in disease. Therefore, it has been classified as a Variant of Uncertain Significance.

Ambry Genetics
Classification: Uncertain significance for Hereditary cancer-predisposing syndrome. Last evaluated: 2024-09-19. Review status: criteria provided, single submitter. Criteria: Ambry Variant Classification Scheme 2023. Collection method: clinical testing. Allele origin: germline.
Comment: The p.T512I variant (also known as c.1535C>T), located in coding exon 14 of the NF2 gene, results from a C to T substitution at nucleotide position 1535. The threonine at codon 512 is replaced by isoleucine, an amino acid with similar properties. This amino acid position is conserved. In addition, the in silico prediction for this alteration is inconclusive. Based on the available evidence, the clinical significance of this variant remains unclear.

GeneDx
Classification: Uncertain significance. Last evaluated: 2023-01-05. Review status: criteria provided, single submitter. Criteria: GeneDx Variant Classification Process June 2021. Collection method: clinical testing. Allele origin: germline. Affected: yes.
Comment: Not observed at significant frequency in large population cohorts (gnomAD); In silico analysis supports that this missense variant does not alter protein structure/function; Has not been previously published as pathogenic or benign to our knowledge; This variant is associated with the following publications: (PMID: 11756419)

NM_000268.4(NF2):c.1535C>T (p.Thr512Ile)

Gene: NF2 (NF2, moesin-ezrin-radixin like (MERLIN) tumor suppressor; plus strand). Cytogenetic location: 22q12.2.
Variant type: single nucleotide variant.
Coding change: c.1535C>T on transcript NM_000268.4 (MANE Select); coding-DNA position 1535, C replaced by T.
Protein change: p.Thr512Ile; replaces threonine 512 with isoleucine.
Molecular consequence: missense variant. On other transcripts: non-coding transcript variant (1), intron variant (1).
Genome position (GRCh38, 1-based): chr22:29,678,284, C>T. VCF-style: chr22-29678284-C-T. GRCh37 (hg19) VCF-style: chr22-30074273-C-T.
Other names: c.1286C>T, p.Thr429Ile (NM_001407064.1, NM_181830.3, NM_181831.3 and 1 more transcripts); c.1001C>T, p.Thr334Ile (NM_001407065.1); c.1535C>T, p.Thr512Ile (NM_001407066.1, NM_016418.5, NM_181825.3 and 2 more transcripts); c.1304C>T, p.Thr435Ile (NM_001407067.1); c.1409C>T, p.Thr470Ile (NM_181828.3, NM_001407055.1); c.1412C>T, p.Thr471Ile (NM_181829.3, NM_001407054.1, NM_001407058.1); c.448-16468C>T (NM_181833.3); c.1421C>T, p.Thr474Ile (NM_001407053.1, NM_001407056.1); and 2 more; short protein forms T334I, T426I, T429I, T435I, T467I, T470I, T471I, T474I.
Identifiers: ClinVar variation 2572773 (VCV002572773.5), dbSNP rs2147108643, ClinGen allele CA411149729.